The following is an entry in ClinVar:

NM_014008.5(CCDC22):c.757A>G (p.Thr253Ala)

Gene: CCDC22 (CCC complex scaffolding subunit CCDC22; plus strand). Cytogenetic location: Xp11.23.
Variant type: single nucleotide variant.
Coding change: c.757A>G on transcript NM_014008.5 (MANE Select); coding-DNA position 757, A replaced by G.
Protein change: p.Thr253Ala; replaces threonine 253 with alanine.
Molecular consequence: missense variant.
Genome position (GRCh38, 1-based): chrX:49,246,773, A>G. VCF-style: chrX-49246773-A-G. GRCh37 (hg19) VCF-style: chrX-49103234-A-G.
Other names: short protein forms T253A.
Identifiers: ClinVar variation 1307272 (VCV001307272.3), dbSNP rs1368764108, ClinGen allele CA412936949.

ClinVar aggregate classification (germline): Conflicting classifications of pathogenicity. Review status: criteria provided, conflicting classifications (1 of 4 stars). 2 submissions from 2 submitters: Uncertain significance (1); Likely benign (1). Last evaluated 2025-12-09.

Allele frequency attached by ClinVar (database versions not stated): gnomAD 0.00001; TOPMed 0.00002.

Submissions (2):

Ambry Genetics
Classification: Likely benign. Last evaluated: 2025-12-09. Review status: criteria provided, single submitter. Criteria: Ambry Variant Classification Scheme 2023. Collection method: clinical testing. Allele origin: germline.

GeneDx
Classification: Uncertain significance. Last evaluated: 2019-03-21. Review status: criteria provided, single submitter. Criteria: GeneDx Variant Classification Process June 2021. Collection method: clinical testing. Allele origin: germline. Affected: yes.
Comment: Not observed in large population cohorts (Lek et al., 2016); In silico analysis, which includes protein predictors and evolutionary conservation, supports that this variant does not alter protein structure/function; Has not been previously published as pathogenic or benign to our knowledge